The following is an entry in ClinVar:

ClinVar aggregate classification (germline): Uncertain significance. Review status: criteria provided, multiple submitters, no conflicts (2 of 4 stars). 2 submissions from 2 submitters: Uncertain significance (2). Last evaluated 2025-11-19.

Conditions:
Hereditary cancer-predisposing syndrome. Also called: Neoplastic Syndromes, Hereditary; Tumor predisposition; Hereditary Cancer Syndrome; Hereditary neoplastic syndrome. Identifiers: Orphanet 140162, MedGen C0027672, MeSH D009386, MONDO:0015356.

Submissions (2):

Ambry Genetics
Classification: Uncertain significance for Hereditary cancer-predisposing syndrome. Last evaluated: 2025-11-19. Review status: criteria provided, single submitter. Criteria: Ambry Variant Classification Scheme 2023. Collection method: clinical testing. Allele origin: germline.
Comment: The p.K733N variant (also known as c.2199G>C), located in coding exon 20 of the POLE gene, results from a G to C substitution at nucleotide position 2199. The lysine at codon 733 is replaced by asparagine, an amino acid with similar properties. This amino acid position is highly conserved in available vertebrate species. In addition, this alteration is predicted to be tolerated by in silico analysis. Based on the available evidence, the clinical significance of this variant remains unclear.

GeneDx
Classification: Uncertain significance. Last evaluated: 2024-12-09. Review status: criteria provided, single submitter. Criteria: GeneDx Variant Classification Process June 2021. Collection method: clinical testing. Allele origin: germline. Affected: yes.
Comment: Not observed at significant frequency in large population cohorts (gnomAD); In silico analysis supports that this missense variant has a deleterious effect on protein structure/function; Has not been previously published as pathogenic or benign to our knowledge; This variant is associated with the following publications: (PMID: 20951805)

NM_006231.4(POLE):c.2199G>C (p.Lys733Asn)

Gene: POLE (DNA polymerase epsilon, catalytic subunit; minus strand). Cytogenetic location: 12q24.33.
Variant type: single nucleotide variant.
Coding change: c.2199G>C on transcript NM_006231.4 (MANE Select); coding-DNA position 2199, G replaced by C.
Protein change: p.Lys733Asn; replaces lysine 733 with asparagine.
Molecular consequence: missense variant.
Genome position (GRCh38, 1-based): chr12:132,667,623, C>G on the plus strand (G>C on the coding strand, the complement: POLE is on the minus strand). VCF-style: chr12-132667623-C-G. GRCh37 (hg19) VCF-style: chr12-133244209-C-G.
Other names: short protein forms K733N.
Identifiers: ClinVar variation 3901437 (VCV003901437.2).